The following is an entry in ClinVar:

NM_000059.4(BRCA2):c.316+860G>A

Gene: BRCA2 (BRCA2 DNA repair associated; plus strand). Cytogenetic location: 13q13.1.
Variant type: single nucleotide variant.
Coding change: c.316+860G>A on transcript NM_000059.4 (MANE Select); 860 bases into the intron after coding-DNA position 316, G replaced by A.
Molecular consequence: intron variant.
Genome position (GRCh38, 1-based): chr13:32,320,185, G>A. VCF-style: chr13-32320185-G-A. GRCh37 (hg19) VCF-style: chr13-32894322-G-A.
Other names: IVS 3+860G>A.
Identifiers: ClinVar variation 209622 (VCV000209622.1), dbSNP rs11571589, ClinGen allele CA276591.

ClinVar aggregate classification (germline): Benign (3 of 4 stars; one submission).

Conditions:
Breast-ovarian cancer, familial, susceptibility to, 2 (BROVCA2). Also called: BRCA2 Hereditary Breast and Ovarian Cancer. Identifiers: Orphanet 145, MedGen C2675520, MONDO:0012933, OMIM 612555. Disease mechanism: loss of function.

Allele frequency attached by ClinVar (database versions not stated): 1000 Genomes Project 30x 0.00250; 1000 Genomes Project 0.00300; TOPMed 0.01022; gnomAD 0.01055 and 0.01095.
gnomAD v4.1: 1,596 of 152,304 alleles (1%); highest among the groups gnomAD compares: Non-Finnish European, 1.8%; 11 homozygotes.

Submission:

Evidence-based Network for the Interpretation of Germline Mutant Alleles (ENIGMA)
Classification: Benign for Breast-ovarian cancer, familial 2. Last evaluated: 2015-01-12. Review status: reviewed by expert panel. Criteria: ENIGMA BRCA1/2 Classification Criteria (2015). Collection method: curation. Allele origin: germline.
Comment: Class 1 not pathogenic based on frequency >1% in an outbred sampleset. Frequency 0.01187 (European), derived from 1000 genomes (2012-04-30).